The following is an entry in ClinVar:

ClinVar aggregate classification (germline): Pathogenic/Likely pathogenic. Review status: criteria provided, multiple submitters, no conflicts (2 of 4 stars). 2 submissions from 2 submitters: Pathogenic (1); Likely pathogenic (1). Last evaluated 2025-06-11.

Conditions:
ARSG-related disorder. Also called: ARSG-related condition.

Allele frequency attached by ClinVar (database versions not stated): ExAC 0.00002; gnomAD exomes 0.00002 and 0.00006; gnomAD 0.00003 and 0.00004; TOPMed 0.00004; ESP Exome Variant Server 0.00008.

Submissions (2):

Labcorp Genetics (formerly Invitae), Labcorp
Classification: Pathogenic. Last evaluated: 2025-06-11. Review status: criteria provided, single submitter. Criteria: Invitae Variant Classification Sherloc (09022015). Collection method: clinical testing. Allele origin: germline.
Comment: This sequence change creates a premature translational stop signal (p.Ser235Lysfs*54) in the ARSG gene. It is expected to result in an absent or disrupted protein product. Loss-of-function variants in ARSG are known to be pathogenic (PMID: 26975023, 34223797). This variant is present in population databases (rs769480000, gnomAD 0.005%). This variant has not been reported in the literature in individuals affected with ARSG-related conditions. ClinVar contains an entry for this variant (Variation ID: 849065). For these reasons, this variant has been classified as Pathogenic.

Blueprint Genetics
Classification: Likely pathogenic for ARSG-related disorders. Last evaluated: 2024-11-21. Review status: criteria provided, single submitter. Criteria: ACMG Guidelines, 2015. Collection method: clinical testing. Allele origin: germline. Affected: yes. Observed: 3 variant alleles.

Literature cited by the submitters: PubMed 26975023 (cited by Labcorp Genetics (formerly Invitae), Labcorp); PubMed 34223797 (cited by Labcorp Genetics (formerly Invitae), Labcorp).

NM_001267727.2(ARSG):c.701dup (p.Ser235fs)

Genes: ARSG (arylsulfatase G; plus strand), LOC130061524 (ATAC-STARR-seq lymphoblastoid active region 12647; plus strand). Cytogenetic location: 17q24.2.
Variant type: Duplication.
Coding change: c.701dup on transcript NM_001267727.2 (MANE Select); coding-DNA position 701, one base duplicated (C; older notation c.701dupC).
Protein change: p.Ser235fs; shifts the reading frame from serine 235.
Molecular consequence: frameshift variant.
Genome position (GRCh38, 1-based): chr17:68,356,801, C duplicated. VCF-style (leftmost placement, unchanged base first): chr17-68356800-G-GC. GRCh37 (hg19) VCF-style: chr17-66352941-G-GC.
Other names: c.701dup, p.Ser235fs (NM_001352899.2, NM_001352900.2, NM_001352901.2 and 8 more transcripts); c.653dup, p.Ser219fs (NM_001352909.2); short protein forms S219fs, S235fs.
Identifiers: ClinVar variation 849065 (VCV000849065.9), dbSNP rs769480000, ClinGen allele CA8728314.